The following is an entry in ClinVar:

ClinVar aggregate classification (germline): Uncertain significance (1 of 4 stars; one submission).

Conditions:
Arrhythmogenic right ventricular dysplasia 10. Also called: Arrhythmogenic Right Ventricular Dysplasia/Cardiomyopathy10; ARRHYTHMOGENIC RIGHT VENTRICULAR DYSPLASIA, FAMILIAL, 10; Arrhythmogenic right ventricular dysplasia/cardiomyopathy, type 10. Identifiers: MedGen C1857777, MONDO:0012434, OMIM 610193.

Allele frequency attached by ClinVar (database versions not stated): TOPMed 0.00001.

Submission:

Labcorp Genetics (formerly Invitae), Labcorp
Classification: Uncertain significance for Arrhythmogenic right ventricular dysplasia 10. Last evaluated: 2022-07-19. Review status: criteria provided, single submitter. Criteria: Invitae Variant Classification Sherloc (09022015). Collection method: clinical testing. Allele origin: germline.
Comment: This sequence change replaces leucine, which is neutral and non-polar, with methionine, which is neutral and non-polar, at codon 829 of the DSG2 protein (p.Leu829Met). In summary, the available evidence is currently insufficient to determine the role of this variant in disease. Therefore, it has been classified as a Variant of Uncertain Significance. Algorithms developed to predict the effect of missense changes on protein structure and function are either unavailable or do not agree on the potential impact of this missense change (SIFT: "Deleterious"; PolyPhen-2: "Probably Damaging"; Align-GVGD: "Class C0"). ClinVar contains an entry for this variant (Variation ID: 410370). This variant has not been reported in the literature in individuals affected with DSG2-related conditions. This variant is not present in population databases (gnomAD no frequency).

NM_001943.5(DSG2):c.2485T>A (p.Leu829Met)

Genes: DSG2 (desmoglein 2; plus strand), DSG2-AS1 (DSG2 antisense RNA 1; minus strand). Cytogenetic location: 18q12.1.
Variant type: single nucleotide variant.
Coding change: c.2485T>A on transcript NM_001943.5 (MANE Select); coding-DNA position 2485, T replaced by A.
Protein change: p.Leu829Met; replaces leucine 829 with methionine.
Molecular consequence: missense variant. On other transcripts: non-coding transcript variant (1).
Genome position (GRCh38, 1-based): chr18:31,545,871, T>A. VCF-style: chr18-31545871-T-A. GRCh37 (hg19) VCF-style: chr18-29125834-T-A.
Other names: c.2485T>A (LRG_397t1); short protein forms L829M.
Identifiers: ClinVar variation 410370 (VCV000410370.8), dbSNP rs968817397, ClinGen allele CA16615815.
Genomic context (GRCh38, chr18:31,545,871, plus strand): 5'-GCTTCTATTGGTTGTTGCAGTTTTATTGAAGGAGAGCTAGATGACCGCTTCTTAGATGAT[T>A]TGGGACTTAAATTCAAGACACTAGCTGAAGTTTGCCTGGGTCAAAAAATAGATATAAATA-3'
Protein context (NP_001934.2, residues 819-839): GELDDRFLDD[Leu829Met]GLKFKTLAEV